The following is an entry in ClinVar:

NM_017617.5(NOTCH1):c.5209A>C (p.Met1737Leu)

Gene: NOTCH1 (notch receptor 1; minus strand). Cytogenetic location: 9q34.3.
Variant type: single nucleotide variant.
Coding change: c.5209A>C on transcript NM_017617.5 (MANE Select); coding-DNA position 5209, A replaced by C.
Protein change: p.Met1737Leu; replaces methionine 1737 with leucine.
Molecular consequence: missense variant.
Genome position (GRCh38, 1-based): chr9:136,502,447, T>G on the plus strand (A>C on the coding strand, the complement: NOTCH1 is on the minus strand). VCF-style: chr9-136502447-T-G. GRCh37 (hg19) VCF-style: chr9-139396899-T-G.
Other names: short protein forms M1737L.
Identifiers: ClinVar variation 3226976 (VCV003226976.1), dbSNP rs1843013279, ClinGen allele CA375641025.
Genomic context (GRCh38, chr9:136,502,447, plus strand): 5'-ACAGCAGCACCCCGCAGCCCACGAAGAACAGAAGCACAAAGGCGGCCGCCGCCACGTACA[T>G]GAAGTGCAGCTGCGCCGGCGGGGGCGGCTCCACGGTCTCACCTGCGGGCACGGGGGCCAG-3'
Protein context (NP_060087.3, residues 1727-1747): EPPPPAQLHF[Met1737Leu]YVAAAAFVLL

ClinVar aggregate classification (germline): Uncertain significance (1 of 4 stars; one submission).

Conditions:
Familial thoracic aortic aneurysm and aortic dissection (TAAD). Also called: Thoracic aortic aneurysms and dissections. Identifiers: Orphanet 91387, MedGen C4707243, MONDO:0019625.

Allele frequency attached by ClinVar (database versions not stated): TOPMed below 0.00001; gnomAD 0.00001.

Submission:

Ambry Genetics
Classification: Uncertain significance for Familial thoracic aortic aneurysm and aortic dissection. Last evaluated: 2023-10-23. Review status: criteria provided, single submitter. Criteria: Ambry Variant Classification Scheme 2023. Collection method: clinical testing. Allele origin: germline.
Comment: The p.M1737L variant (also known as c.5209A>C), located in coding exon 28 of the NOTCH1 gene, results from an A to C substitution at nucleotide position 5209. The methionine at codon 1737 is replaced by leucine, an amino acid with highly similar properties. This amino acid position is conserved. In addition, this alteration is predicted to be tolerated by in silico analysis. Since supporting evidence is limited at this time, the clinical significance of this alteration remains unclear.